The following is an entry in ClinVar:

ClinVar aggregate classification (germline): Uncertain significance (1 of 4 stars; one submission).

Conditions:
Charcot-Marie-Tooth disease type 4. Also called: Charcot-Marie-Tooth, Type 4; Charcot-Marie-Tooth disease, type IV. Identifiers: Orphanet 64749, MedGen C4082197, MONDO:0018995.

Allele frequency attached by ClinVar (database versions not stated): gnomAD 0.00001.
gnomAD v4.1: 7 of 1,613,762 alleles (0.00043%); highest among the groups gnomAD compares: Non-Finnish European, 0.00059%; no homozygotes.

Submission:

Labcorp Genetics (formerly Invitae), Labcorp
Classification: Uncertain significance for Charcot-Marie-Tooth disease type 4. Last evaluated: 2022-04-27. Review status: criteria provided, single submitter. Criteria: Invitae Variant Classification Sherloc (09022015). Collection method: clinical testing. Allele origin: germline.
Comment: This sequence change replaces serine, which is neutral and polar, with tyrosine, which is neutral and polar, at codon 332 of the SH3TC2 protein (p.Ser332Tyr). This variant is not present in population databases (gnomAD no frequency). This variant has not been reported in the literature in individuals affected with SH3TC2-related conditions. Advanced modeling of protein sequence and biophysical properties (such as structural, functional, and spatial information, amino acid conservation, physicochemical variation, residue mobility, and thermodynamic stability) performed at Invitae indicates that this missense variant is not expected to disrupt SH3TC2 protein function. In summary, the available evidence is currently insufficient to determine the role of this variant in disease. Therefore, it has been classified as a Variant of Uncertain Significance.

NM_024577.4(SH3TC2):c.995C>A (p.Ser332Tyr)

Gene: SH3TC2 (SH3 domain and tetratricopeptide repeats 2; minus strand). Cytogenetic location: 5q32.
Variant type: single nucleotide variant.
Coding change: c.995C>A on transcript NM_024577.4 (MANE Select); coding-DNA position 995, C replaced by A.
Protein change: p.Ser332Tyr; replaces serine 332 with tyrosine.
Molecular consequence: missense variant.
Genome position (GRCh38, 1-based): chr5:149,038,301, G>T on the plus strand (C>A on the coding strand, the complement: SH3TC2 is on the minus strand). VCF-style: chr5-149038301-G-T. GRCh37 (hg19) VCF-style: chr5-148417864-G-T.
Other names: short protein forms S332Y.
Identifiers: ClinVar variation 2177711 (VCV002177711.1), dbSNP rs1440869451, ClinGen allele CA361672177.